The following is an entry in ClinVar:

NM_001081.4(CUBN):c.3649A>G (p.Asn1217Asp)

Gene: CUBN (cubilin; minus strand). Cytogenetic location: 10p13.
Variant type: single nucleotide variant.
Coding change: c.3649A>G on transcript NM_001081.4 (MANE Select); coding-DNA position 3649, A replaced by G.
Protein change: p.Asn1217Asp; replaces asparagine 1217 with aspartic acid.
Molecular consequence: missense variant.
Genome position (GRCh38, 1-based): chr10:17,045,030, T>C on the plus strand (A>G on the coding strand, the complement: CUBN is on the minus strand). VCF-style: chr10-17045030-T-C. GRCh37 (hg19) VCF-style: chr10-17087029-T-C.
Other names: short protein forms N1217D.
Identifiers: ClinVar variation 2189271 (VCV002189271.6), dbSNP rs778837015, ClinGen allele CA5424612.

ClinVar aggregate classification (germline): Uncertain significance. Review status: criteria provided, multiple submitters, no conflicts (2 of 4 stars). 3 submissions from 3 submitters: Uncertain significance (3). Last evaluated 2024-06-16.

Conditions:
Inborn genetic diseases. Identifiers: MedGen C0950123, MeSH D030342.
Imerslund-Grasbeck syndrome. Also called: Megaloblastic anemia due to inborn errors of metabolism; ENTEROCYTE COBALAMIN MALABSORPTION; ENTEROCYTE INTRINSIC FACTOR RECEPTOR, DEFECT OF; Imerslund-Gräsbeck syndrome; PERNICIOUS ANEMIA, JUVENILE, DUE TO SELECTIVE INTESTINAL MALABSORPTION OF VITAMIN B12, WITH PROTEINURIA. Identifiers: Orphanet 35858, MedGen C4551825, MONDO:0009853.

Allele frequency attached by ClinVar (database versions not stated): ExAC 0.00001; gnomAD exomes 0.00001; gnomAD 0.00003.
gnomAD v4.1: 12 of 1,613,906 alleles (0.00074%); highest among the groups gnomAD compares: Admixed American, 0.01%; no homozygotes.

Submissions (3):

Ambry Genetics
Classification: Uncertain significance for Inborn genetic diseases. Last evaluated: 2024-06-16. Review status: criteria provided, single submitter. Criteria: Ambry Variant Classification Scheme 2023. Collection method: clinical testing. Allele origin: germline.

Labcorp Genetics (formerly Invitae), Labcorp
Classification: Uncertain significance for Imerslund-Grasbeck syndrome. Last evaluated: 2023-08-30. Review status: criteria provided, single submitter. Criteria: Invitae Variant Classification Sherloc (09022015). Collection method: clinical testing. Allele origin: germline.
Comment: Advanced modeling of protein sequence and biophysical properties (such as structural, functional, and spatial information, amino acid conservation, physicochemical variation, residue mobility, and thermodynamic stability) performed at Invitae indicates that this missense variant is not expected to disrupt CUBN protein function. This sequence change replaces asparagine, which is neutral and polar, with aspartic acid, which is acidic and polar, at codon 1217 of the CUBN protein (p.Asn1217Asp). This variant is present in population databases (rs778837015, gnomAD 0.006%). This variant has not been reported in the literature in individuals affected with CUBN-related conditions. ClinVar contains an entry for this variant (Variation ID: 2189271). In summary, the available evidence is currently insufficient to determine the role of this variant in disease. Therefore, it has been classified as a Variant of Uncertain Significance.

GeneDx
Classification: Uncertain significance. Last evaluated: 2022-08-27. Review status: criteria provided, single submitter. Criteria: GeneDx Variant Classification Process June 2021. Collection method: clinical testing. Allele origin: germline. Affected: yes.
Comment: Not observed at significant frequency in large population cohorts (gnomAD); In silico analysis supports that this missense variant does not alter protein structure/function; Has not been previously published as pathogenic or benign to our knowledge